The following is an entry in ClinVar:

NM_006015.6(ARID1A):c.5719A>T (p.Ile1907Phe)

Gene: ARID1A (AT-rich interaction domain 1A; plus strand). Cytogenetic location: 1p36.11.
Variant type: single nucleotide variant.
Coding change: c.5719A>T on transcript NM_006015.6 (MANE Select); coding-DNA position 5719, A replaced by T.
Protein change: p.Ile1907Phe; replaces isoleucine 1907 with phenylalanine.
Molecular consequence: missense variant.
Genome position (GRCh38, 1-based): chr1:26,779,617, A>T. VCF-style: chr1-26779617-A-T. GRCh37 (hg19) VCF-style: chr1-27106108-A-T.
Other names: c.5068A>T, p.Ile1690Phe (NM_139135.4); short protein forms I1690F, I1907F.
Identifiers: ClinVar variation 1254496 (VCV001254496.30), dbSNP rs139230162, ClinGen allele CA707747.

ClinVar aggregate classification (germline): Conflicting classifications of pathogenicity. Review status: criteria provided, conflicting classifications (1 of 4 stars). 5 submissions from 5 submitters: Uncertain significance (2); Likely benign (2). 1 of the submissions does not count toward it. Last evaluated 2024-09-03.

Conditions:
ARID1A-related disorder. Also called: ARID1A-related condition.

Allele frequency attached by ClinVar (database versions not stated): ESP Exome Variant Server 0.00015.
gnomAD v4.1: 125 of 1,613,982 alleles (0.0077%); highest among the groups gnomAD compares: Non-Finnish European, 0.01%; no homozygotes.

Submissions (5):

Labcorp Genetics (formerly Invitae), Labcorp
Classification: Uncertain significance. Last evaluated: 2024-09-03. Review status: criteria provided, single submitter. Criteria: Invitae Variant Classification Sherloc (09022015). Collection method: clinical testing. Allele origin: germline.
Comment: This sequence change replaces isoleucine, which is neutral and non-polar, with phenylalanine, which is neutral and non-polar, at codon 1907 of the ARID1A protein (p.Ile1907Phe). This variant is present in population databases (rs139230162, gnomAD 0.01%), and has an allele count higher than expected for a pathogenic variant. This variant has not been reported in the literature in individuals affected with ARID1A-related conditions. ClinVar contains an entry for this variant (Variation ID: 1254496). Invitae Evidence Modeling of protein sequence and biophysical properties (such as structural, functional, and spatial information, amino acid conservation, physicochemical variation, residue mobility, and thermodynamic stability) has been performed for this missense variant. However, the output from this modeling did not meet the statistical confidence thresholds required to predict the impact of this variant on ARID1A protein function. In summary, the available evidence is currently insufficient to determine the role of this variant in disease. Therefore, it has been classified as a Variant of Uncertain Significance.

CeGaT Center for Human Genetics Tuebingen
Classification: Likely benign. Last evaluated: 2023-02-01. Review status: criteria provided, single submitter. Criteria: CeGaT Center For Human Genetics Tuebingen Variant Classification Criteria Version 2. Collection method: clinical testing. Allele origin: germline. Affected: yes. Observed: 1 variant allele.
Comment: ARID1A: PP2, BS2

Genetic Services Laboratory, University of Chicago
Classification: Uncertain significance. Last evaluated: 2023-01-19. Review status: criteria provided, single submitter. Criteria: ACMG Guidelines, 2015. Collection method: clinical testing. Allele origin: germline. Affected: no.
Comment: DNA sequence analysis of the ARID1A gene demonstrated a sequence change, c.5719A>T, in exon 20 that results in an amino acid change, p.Ile1907Phe. This sequence change does not appear to have been previously described in individuals with ARID1A-related disorders. This sequence change has been described in the gnomAD database with a frequency of 0.01% in the European subpopulation (dbSNP rs139230162). The p.Ile1907Phe change affects a poorly conserved amino acid residue located in a domain of the ARID1A protein that is not known to be functional. In-silico pathogenicity prediction tools (SIFT, PolyPhen2, Align GVGD, REVEL) provide contradictory results for the p.Ile1907Phe substitution. Due to insufficient evidences and the lack of functional studies, the clinical significance of the p.Ile1907Phe change remains unknown at this time.

GeneDx
Classification: Likely benign. Last evaluated: 2021-01-16. Review status: criteria provided, single submitter. Criteria: GeneDx Variant Classification Process June 2021. Collection method: clinical testing. Allele origin: germline. Affected: yes.
Comment: This variant is associated with the following publications: (PMID: 22009941)

PreventionGenetics, part of Exact Sciences
Classification: Likely benign for ARID1A-related condition. Last evaluated: 2022-06-17. Review status: no assertion criteria provided. Collection method: clinical testing. Allele origin: germline. Not counted in ClinVar's aggregate classification.
Comment: This variant is classified as likely benign based on ACMG/AMP sequence variant interpretation guidelines (Richards et al. 2015 PMID: 25741868, with internal and published modifications).